The following is an entry in ClinVar:

ClinVar aggregate classification (germline): Pathogenic. Review status: criteria provided, multiple submitters, no conflicts (2 of 4 stars). 2 submissions from 2 submitters: Pathogenic (2). Last evaluated 2022-12-19.

Conditions:
Cone-rod dystrophy 2 (CORD2). Also called: CONE-ROD RETINAL DYSTROPHY; Cone-rod retinal dystrophy 2. Identifiers: Orphanet 1872, MedGen C3489532, MONDO:0007362, OMIM 120970.
CRX-related disorders.

Submissions (2):

Blueprint Genetics
Classification: Pathogenic for CRX-related disorders. Last evaluated: 2022-12-19. Review status: criteria provided, single submitter. Criteria: ACMG Guidelines, 2015. Collection method: clinical testing. Allele origin: germline. Affected: yes. Observed: 1 variant allele.

Genome-Nilou Lab
Classification: Pathogenic for Cone-rod dystrophy 2. Last evaluated: 2021-08-02. Review status: criteria provided, single submitter. Criteria: ACMG Guidelines, 2015. Collection method: clinical testing. Allele origin: de novo. Inheritance: Autosomal dominant inheritance. Affected: yes.

NM_000554.6(CRX):c.570dup (p.Tyr191fs)

Gene: CRX (cone-rod homeobox; plus strand). Cytogenetic location: 19q13.33.
Variant type: Duplication.
Coding change: c.570dup on transcript NM_000554.6 (MANE Select); coding-DNA position 570, one base duplicated (C; older notation c.570dupC).
Protein change: p.Tyr191fs; shifts the reading frame from tyrosine 191.
Molecular consequence: frameshift variant.
Genome position (GRCh38, 1-based): chr19:47,839,637, C duplicated; the last of 5 consecutive C bases (chr19:47,839,633-47,839,637); duplicating any one gives the same sequence. VCF-style (leftmost placement, unchanged base first): chr19-47839632-G-GC. GRCh37 (hg19) VCF-style: chr19-48342889-G-GC.
Other names: short protein forms Y191fs.
Identifiers: ClinVar variation 1185565 (VCV001185565.4), dbSNP rs1968168564, ClinGen allele CA2499225531.